The following is an entry in ClinVar:

ClinVar aggregate classification (germline): Uncertain significance. Review status: criteria provided, multiple submitters, no conflicts (2 of 4 stars). 2 submissions from 2 submitters: Uncertain significance (2). Last evaluated 2025-12-29.

Conditions:
Cardiovascular phenotype. Identifiers: MedGen CN230736.

Allele frequency attached by ClinVar (database versions not stated): gnomAD exomes 0.00002; gnomAD 0.00009; TOPMed 0.00011; 1000 Genomes Project 30x 0.00031.

Submissions (2):

Women's Health and Genetics/Laboratory Corporation of America, LabCorp
Classification: Uncertain significance. Last evaluated: 2025-12-29. Review status: criteria provided, single submitter. Criteria: LabCorp Variant Classification Summary - May 2015. Collection method: clinical testing. Allele origin: germline.
Comment: Variant summary: ZNF469 c.4939G>A (p.Val1647Met) results in a conservative amino acid change in the encoded protein sequence. Algorithms developed to predict the effect of missense changes on protein structure and function are either unavailable or do not agree on the potential impact of this missense change. The variant allele was found at a frequency of 6e-05 in 150968 control chromosomes. The available data on variant occurrences in the general population are insufficient to allow any conclusion about variant significance. To our knowledge, no occurrence of c.4939G>A in individuals affected with ZNF469-related conditions and no experimental evidence demonstrating its impact on protein function have been reported. ClinVar contains an entry for this variant (Variation ID: 1743593). Based on the evidence outlined above, the variant was classified as uncertain significance.

Ambry Genetics
Classification: Uncertain significance for Cardiovascular phenotype. Last evaluated: 2020-03-02. Review status: criteria provided, single submitter. Criteria: Ambry Variant Classification Scheme 2023. Collection method: clinical testing. Allele origin: germline.
Comment: The p.V1619M variant (also known as c.4855G>A), located in coding exon 2 of the ZNF469 gene, results from a G to A substitution at nucleotide position 4855. The valine at codon 1619 is replaced by methionine, an amino acid with highly similar properties. This amino acid position is poorly conserved in available vertebrate species. In addition, this alteration is predicted to be tolerated by in silico analysis. Since supporting evidence is limited at this time, the clinical significance of this alteration remains unclear.

NM_001367624.2(ZNF469):c.4939G>A (p.Val1647Met)

Gene: ZNF469 (zinc finger protein 469; plus strand). Cytogenetic location: 16q24.2.
Variant type: single nucleotide variant.
Coding change: c.4939G>A on transcript NM_001367624.2 (MANE Select); coding-DNA position 4939, G replaced by A.
Protein change: p.Val1647Met; replaces valine 1647 with methionine.
Molecular consequence: missense variant.
Genome position (GRCh38, 1-based): chr16:88,432,409, G>A. VCF-style: chr16-88432409-G-A. GRCh37 (hg19) VCF-style: chr16-88498817-G-A.
Other names: NM_001127464.1:c.4855G>A; short protein forms V1647M.
Identifiers: ClinVar variation 1743593 (VCV001743593.3), dbSNP rs979433036, ClinGen allele CA286376796.
Genomic context (GRCh38, chr16:88,432,409, plus strand): 5'-CTCACGCGCGTTGGAGAATCCACTGCACATCGGGAGGGTGCGGAATCGGCTGTGGCCACC[G>A]TGGAAGCGGTTCAGGGGAGGCCTGGGGGGACGTGGCCCTGCCCAGCCTCCTTCCATCCGG-3'
Protein context (NP_001354553.1, residues 1637-1657): REGAESAVAT[Val1647Met]EAVQGRPGGT